The following is an entry in ClinVar:

NM_182961.4(SYNE1):c.21273C>A (p.Asn7091Lys)

Gene: SYNE1 (spectrin repeat containing nuclear envelope protein 1; minus strand). Cytogenetic location: 6q25.2.
Variant type: single nucleotide variant.
Coding change: c.21273C>A on transcript NM_182961.4 (MANE Select); coding-DNA position 21273, C replaced by A.
Protein change: p.Asn7091Lys; replaces asparagine 7091 with lysine.
Molecular consequence: missense variant.
Genome position (GRCh38, 1-based): chr6:152,225,799, G>T on the plus strand (C>A on the coding strand, the complement: SYNE1 is on the minus strand). VCF-style: chr6-152225799-G-T. GRCh37 (hg19) VCF-style: chr6-152546934-G-T.
Other names: c.21060C>A, p.Asn7020Lys (NM_033071.5); short protein forms N7020K, N7091K.
Identifiers: ClinVar variation 1468986 (VCV001468986.8), dbSNP rs772396355, ClinGen allele CA4054204.

ClinVar aggregate classification (germline): Uncertain significance. Review status: criteria provided, multiple submitters, no conflicts (2 of 4 stars). 2 submissions from 2 submitters: Uncertain significance (2). Last evaluated 2022-02-21.

Conditions:
Arthrogryposis multiplex congenita 3, myogenic type. Also called: ARTHROGRYPOSIS MULTIPLEX CONGENITA, MYOGENIC TYPE. Identifiers: MedGen C5193121, MONDO:0032778, OMIM 618484.
Autosomal recessive ataxia, Beauce type. Also called: SYNE1-Related Autosomal Recessive Cerebellar Ataxia; Spinocerebellar ataxia, autosomal recessive 8; ATAXIA, RECESSIVE, OF BEAUCE; SYNE1 Deficiency. Identifiers: Orphanet 88644, MedGen C1853116, MONDO:0012549, OMIM 610743.
Emery-Dreifuss muscular dystrophy 4, autosomal dominant (EDMD4). Also called: EMERY-DREIFUSS MUSCULAR DYSTROPHY 4 WITH VARIABLE FEATURES. Identifiers: Orphanet 261, MedGen C2751807, MONDO:0013071, OMIM 612998.

Allele frequency attached by ClinVar (database versions not stated): ExAC 0.00002; gnomAD exomes 0.00002.
gnomAD v4.1: 8 of 1,614,030 alleles (0.0005%); highest among the groups gnomAD compares: South Asian, 0.0088%; no homozygotes.

Submissions (2):

Labcorp Genetics (formerly Invitae), Labcorp
Classification: Uncertain significance for Emery-Dreifuss muscular dystrophy 4, autosomal dominant; Autosomal recessive ataxia, Beauce type. Last evaluated: 2022-02-21. Review status: criteria provided, single submitter. Criteria: Invitae Variant Classification Sherloc (09022015). Collection method: clinical testing. Allele origin: germline.
Comment: In summary, the available evidence is currently insufficient to determine the role of this variant in disease. Therefore, it has been classified as a Variant of Uncertain Significance. Algorithms developed to predict the effect of missense changes on protein structure and function are either unavailable or do not agree on the potential impact of this missense change (SIFT: "Deleterious"; PolyPhen-2: "Benign"; Align-GVGD: "Class C35"). This variant has not been reported in the literature in individuals affected with SYNE1-related conditions. This variant is present in population databases (rs772396355, gnomAD 0.01%). This sequence change replaces asparagine, which is neutral and polar, with lysine, which is basic and polar, at codon 7020 of the SYNE1 protein (p.Asn7020Lys).

Neuberg Centre For Genomic Medicine, NCGM
Classification: Uncertain significance for Arthrogryposis multiplex congenita 3, myogenic type. Review status: criteria provided, single submitter. Criteria: ACMG Guidelines, 2015. Collection method: clinical testing. Allele origin: germline. Inheritance: Autosomal recessive inheritance. Affected: yes.
Comment: The missense variant c.21273C>A (p.Asn7091Lys) in SYNE1 gene has been submitted to ClinVar as a Variant of Uncertain Significance. This p.Asn7091Lys variant has allele frequency of 0.0015% in the gnomAD and novel (not in any individuals) in 1000 genome database. The amino acid Asn at position 7091 is changed to a Lys changing protein sequence and it might alter its composition and physico-chemical properties. The amino acid change p.Asn7091Lys in SYNE1 is predicted as conserved by GERP++ and PhyloP across 100 vertebrates. For these reasons, this variant has been classified as Uncertain Significance (VUS).